The following is an entry in ClinVar:

NM_182972.3(IRF2BP2):c.1672G>T (p.Val558Leu)

Gene: IRF2BP2 (interferon regulatory factor 2 binding protein 2; minus strand). Cytogenetic location: 1q42.3.
Variant type: single nucleotide variant.
Coding change: c.1672G>T on transcript NM_182972.3 (MANE Select); coding-DNA position 1672, G replaced by T.
Protein change: p.Val558Leu; replaces valine 558 with leucine.
Molecular consequence: missense variant.
Genome position (GRCh38, 1-based): chr1:234,607,229, C>A on the plus strand (G>T on the coding strand, the complement: IRF2BP2 is on the minus strand). VCF-style: chr1-234607229-C-A. GRCh37 (hg19) VCF-style: chr1-234742975-C-A.
Other names: c.1624G>T, p.Val542Leu (NM_001077397.1); c.1672G>T (NM_182972.2); short protein forms V542L, V558L.
Identifiers: ClinVar variation 2162173 (VCV002162173.4), dbSNP rs747870654, ClinGen allele CA1461515.

ClinVar aggregate classification (germline): Uncertain significance. Review status: criteria provided, multiple submitters, no conflicts (2 of 4 stars). 2 submissions from 2 submitters: Uncertain significance (2). Last evaluated 2024-03-15.

Allele frequency attached by ClinVar (database versions not stated): ExAC 0.00006.

Submissions (2):

Labcorp Genetics (formerly Invitae), Labcorp
Classification: Uncertain significance. Last evaluated: 2024-03-15. Review status: criteria provided, single submitter. Criteria: Invitae Variant Classification Sherloc (09022015). Collection method: clinical testing. Allele origin: germline.
Comment: This sequence change replaces valine, which is neutral and non-polar, with leucine, which is neutral and non-polar, at codon 558 of the IRF2BP2 protein (p.Val558Leu). This variant is present in population databases (rs747870654, gnomAD 0.02%). This variant has not been reported in the literature in individuals affected with IRF2BP2-related conditions. ClinVar contains an entry for this variant (Variation ID: 2162173). An algorithm developed to predict the effect of missense changes on protein structure and function (PolyPhen-2) suggests that this variant is likely to be disruptive. In summary, the available evidence is currently insufficient to determine the role of this variant in disease. Therefore, it has been classified as a Variant of Uncertain Significance.

Ambry Genetics
Classification: Uncertain significance. Last evaluated: 2022-05-06. Review status: criteria provided, single submitter. Criteria: Ambry Variant Classification Scheme 2023. Collection method: clinical testing. Allele origin: germline.